The following is an entry in ClinVar:

NM_000135.4(FANCA):c.2492TCT[1] (p.Phe832del)

Gene: FANCA (FA complementation group A; minus strand). Cytogenetic location: 16q24.3.
Variant type: Microsatellite.
Coding change: c.2492TCT[1] on transcript NM_000135.4 (MANE Select); one copy of the 3-base unit TCT starting at c.2492; the reference has two copies in a row; one copy, 3 bases deleted; also written c.2495_2497del.
Protein change: p.Phe832del; deletes phenylalanine 832.
Molecular consequence: inframe deletion.
Genome position (GRCh38, 1-based): chr16:89,769,844-89,769,846, AGA deleted on the plus strand (TCT on the coding strand, the reverse complement: FANCA is on the minus strand); deleting any 3 consecutive bases within chr16:89,769,844-89,769,850 gives the same sequence; the position shown is the placement nearest the transcript's 3' end. VCF-style (leftmost placement, unchanged base first): chr16-89769843-CAGA-C. GRCh37 (hg19) VCF-style: chr16-89836251-CAGA-C.
Other names: c.2495_2497del (NM_000135.2, NM_000135.4); c.2492TCT[1], p.Phe832del (NM_001286167.3); c.2495_2497delTCT (NM_000135.3); short protein forms F832del.
Identifiers: ClinVar variation 555457 (VCV000555457.17), dbSNP rs1310756192, ClinGen allele CA658824825.
Genomic context (GRCh38, chr16:89,769,843, plus strand): 5'-GTGTCACTTTTCGAGAGAGAGGAGAGAAGACGCGACTGTGGAAGAAGAGCTCACTTCAGG[CAGA>C]AGAACAAGGAATCCCTCGTCCTACAGGTCAGGAGGCTGTCAAAGAGCGCAGGGACAGGAA-3'

ClinVar aggregate classification (germline): Conflicting classifications of pathogenicity. Review status: criteria provided, conflicting classifications (1 of 4 stars). 8 submissions from 8 submitters: Pathogenic (1); Likely pathogenic (2); Uncertain significance (2). 3 of the submissions do not count toward it. Last evaluated 2025-08-09.

Conditions:
Fanconi anemia (FA). Also called: Fanconi's anemia. Identifiers: Orphanet 84, MedGen C0015625, MeSH D005199, MONDO:0019391.
FANCA-related disorders.
FANCA-related disorder. Also called: FANCA-related condition.
Fanconi anemia complementation group A (FANCA). Also called: Fanconi anemia, group A; FANCA-Related Fanconi Anemia. Identifiers: Orphanet 84, MedGen C3469521, MONDO:0009215, OMIM 227650.

Submissions (8):

Natera, Inc.
Classification: Likely pathogenic for Fanconi anemia. Last evaluated: 2025-08-09. Review status: criteria provided, single submitter. Criteria: Natera Variant Classification Schema (03/2026). Collection method: clinical testing. Allele origin: germline.
Comment: The c.2495_2497delTCT variant in FANCA is an in-frame deletion predicted to remove phenylalanine at amino acid 832 while preserving the reading frame. This variant is rare in the general population with a frequency below the threshold expected for the associated phenotype(s). This variant has been observed in one or more individuals affected with the associated recessive disease, as either homozygous or compound heterozygous with a second variant (PMID: 37315262, 39624858, 10094191). Additionally, this variant has been observed to segregate in affected family members (PMID: 39624858). This variant results in a change to the protein length while preserving reading frame, which may disrupt normal protein structure or function. Given the available evidence, this variant is classified as Likely Pathogenic.

PreventionGenetics, part of Exact Sciences
Classification: Pathogenic for FANCA-related condition. Last evaluated: 2025-05-02. Review status: criteria provided, single submitter. Criteria: ACMG Guidelines, 2015. Collection method: clinical testing. Allele origin: germline.
Comment: The FANCA c.2495_2497delTCT variant is predicted to result in an in-frame deletion (p.Phe832del). This variant has been reported in the homozygous or compound heterozygous state with a loss of function variant in at least four individuals with Fanconi anemia (Wijker et al. 1999. PubMed ID: 10094191; Durmaz et al. 2024. PubMed ID: 39624858; Ma et al. 2023. PubMed ID: 37315262). This variant has not been reported in a large population database, indicating this variant is rare. This variant has also been reported in ClinVar as either pathogenic or as a variant of uncertain significance. This variant is interpreted as pathogenic.

Labcorp Genetics (formerly Invitae), Labcorp
Classification: Uncertain significance for Fanconi anemia. Last evaluated: 2023-12-25. Review status: criteria provided, single submitter. Criteria: Invitae Variant Classification Sherloc (09022015). Collection method: clinical testing. Allele origin: germline.
Comment: This variant, c.2495_2497del, results in the deletion of 1 amino acid(s) of the FANCA protein (p.Phe832del), but otherwise preserves the integrity of the reading frame. This variant is not present in population databases (gnomAD no frequency). This variant has been observed in individual(s) with Fanconi anemia (PMID: 10094191). ClinVar contains an entry for this variant (Variation ID: 555457). In summary, the available evidence is currently insufficient to determine the role of this variant in disease. Therefore, it has been classified as a Variant of Uncertain Significance.

Fulgent Genetics
Classification: Uncertain significance for Fanconi anemia complementation group A. Last evaluated: 2021-09-11. Review status: criteria provided, single submitter. Criteria: ACMG Guidelines, 2015. Collection method: clinical testing. Allele origin: unknown.

Blueprint Genetics
Classification: Likely pathogenic for FANCA-related disorders. Last evaluated: 2018-08-16. Review status: criteria provided, single submitter. Criteria: ACMG Guidelines, 2015. Collection method: clinical testing. Allele origin: germline. Affected: yes. Observed: 1 variant allele.

Istanbul Faculty of Medicine, Istanbul University
Classification: Pathogenic for Fanconi anemia complementation group A. Last evaluated: 2022-06-06. Review status: no assertion criteria provided. Collection method: clinical testing. Allele origin: germline. Affected: yes. Observed: 1 variant allele. Not counted in ClinVar's aggregate classification.

Leiden Open Variation Database
Classification: Pathogenic for Fanconi anemia complementation group A. Last evaluated: 2020-02-28. Review status: no assertion criteria provided. Collection method: curation. Allele origin: germline. Affected: yes. Not counted in ClinVar's aggregate classification.
Comment: Curator: Arleen D. Auerbach. Submitter to LOVD: Arleen D. Auerbach.

Counsyl
Classification: Uncertain significance for Fanconi anemia complementation group A. Last evaluated: 2017-12-07. Review status: no assertion criteria provided. Collection method: clinical testing. Allele origin: unknown. Not counted in ClinVar's aggregate classification.

Literature cited by the submitters: PubMed 37315262 (cited by Natera, Inc.); PubMed 39624858 (cited by Natera, Inc.); PubMed 10094191 (cited by 4 submitters).